The following is an entry in ClinVar:

NC_000009.11:g.(?_26946875)_(27109660_?)dup

Genes: IFT74 (intraflagellar transport 74; plus strand), LRRC19 (leucine rich repeat containing 19; minus strand), PLAA (phospholipase A2 activating protein; minus strand), TEK (TEK receptor tyrosine kinase; plus strand). Cytogenetic location: 9p21.2.
Variant type: Duplication.
Identifiers: ClinVar variation 2423496 (VCV002423496.3).

ClinVar aggregate classification (germline): Uncertain significance (1 of 4 stars; one submission).

Submission:

Labcorp Genetics (formerly Invitae), Labcorp
Classification: Uncertain significance. Last evaluated: 2022-07-06. Review status: criteria provided, single submitter. Criteria: Invitae Variant Classification Sherloc (09022015). Collection method: clinical testing. Allele origin: germline.
Comment: This variant results in a copy number gain of the genomic region encompassing exon(s) 1 of the PLAA gene. This region includes the initiator codon of the gene. This copy number gain extends beyond the assayed region for this gene and therefore may encompass additional genes. As the precise location of this event is unknown, it may be in tandem or it may be located elsewhere in the genome. This variant has not been reported in the literature in individuals affected with PLAA-related conditions. Experimental studies and prediction algorithms are not available or were not evaluated, and the functional significance of this variant is currently unknown. In summary, the available evidence is currently insufficient to determine the role of this variant in disease. Therefore, it has been classified as a Variant of Uncertain Significance.